The following is an entry in ClinVar:

ClinVar aggregate classification (germline): Uncertain significance (1 of 4 stars; one submission).

Conditions:
Primary dilated cardiomyopathy (DCM). Also called: Dilated Cardiomyopathy. Identifiers: Orphanet 217604, MedGen C0007193, MeSH D002311, MONDO:0005021, HP:0001644. Inheritance: Various modes of inheritance.

Allele frequency attached by ClinVar (database versions not stated): TOPMed below 0.00001; ExAC 0.00001; gnomAD 0.00001; gnomAD exomes 0.00001.
gnomAD v4.1: 3 of 1,560,650 alleles (0.00019%); highest among the groups gnomAD compares: Admixed American, 0.0017%; no homozygotes.

Submission:

Labcorp Genetics (formerly Invitae), Labcorp
Classification: Uncertain significance for Primary dilated cardiomyopathy. Last evaluated: 2025-10-25. Review status: criteria provided, single submitter. Criteria: Invitae Variant Classification Sherloc (09022015). Collection method: clinical testing. Allele origin: germline.
Comment: This sequence change affects codon 266 of the NEBL mRNA. It is a 'silent' change, meaning that it does not change the encoded amino acid sequence of the NEBL protein. It affects a nucleotide within the consensus splice site. This variant is present in population databases (rs770019579, gnomAD 0.006%). This variant has not been reported in the literature in individuals affected with NEBL-related conditions. ClinVar contains an entry for this variant (Variation ID: 1414480). Algorithms developed to predict the effect of sequence changes on RNA splicing suggest that this variant is not likely to affect RNA splicing. In summary, the available evidence is currently insufficient to determine the role of this variant in disease. Therefore, it has been classified as a Variant of Uncertain Significance.

NM_006393.3(NEBL):c.798T>C (p.Asn266=)

Gene: NEBL (nebulette; minus strand). Cytogenetic location: 10p12.31.
Variant type: single nucleotide variant.
Coding change: c.798T>C on transcript NM_006393.3 (MANE Select); coding-DNA position 798, T replaced by C.
Protein change: p.Asn266=; no amino-acid change (asparagine 266 retained).
Molecular consequence: synonymous variant. On other transcripts: intron variant (9).
Genome position (GRCh38, 1-based): chr10:20,859,713, A>G on the plus strand (T>C on the coding strand, the complement: NEBL is on the minus strand). VCF-style: chr10-20859713-A-G. GRCh37 (hg19) VCF-style: chr10-21148642-A-G.
Other names: c.250-46773T>C (NM_001377326.1, NM_001377327.1, NM_001377328.1); c.358-46773T>C (NM_213569.2, NM_001173484.2, NM_001377322.1); c.301-46773T>C (NM_001377324.1); c.292-46773T>C (NM_001377325.1); c.310-46773T>C (NM_001377323.1).
Identifiers: ClinVar variation 1414480 (VCV001414480.8), dbSNP rs770019579, ClinGen allele CA5433111.